The following is an entry in ClinVar:

ClinVar aggregate classification (germline): Uncertain significance. Review status: criteria provided, multiple submitters, no conflicts (2 of 4 stars). 2 submissions from 2 submitters: Uncertain significance (2). Last evaluated 2022-11-19.

Conditions:
Neurodevelopmental disorder with hypotonia, stereotypic hand movements, and impaired language. Also called: Intellectual disability, autosomal dominant 20. Identifiers: Orphanet 228384, Orphanet 664410, MedGen C3150700, MONDO:0013266, OMIM 613443.

Submissions (2):

Labcorp Genetics (formerly Invitae), Labcorp
Classification: Uncertain significance for Neurodevelopmental disorder with hypotonia, stereotypic hand movements, and impaired language. Last evaluated: 2022-11-19. Review status: criteria provided, single submitter. Criteria: Invitae Variant Classification Sherloc (09022015). Collection method: clinical testing. Allele origin: germline.
Comment: In summary, the available evidence is currently insufficient to determine the role of this variant in disease. Therefore, it has been classified as a Variant of Uncertain Significance. Algorithms developed to predict the effect of missense changes on protein structure and function (SIFT, PolyPhen-2, Align-GVGD) all suggest that this variant is likely to be tolerated. ClinVar contains an entry for this variant (Variation ID: 1019472). This variant has not been reported in the literature in individuals affected with MEF2C-related conditions. This variant is not present in population databases (gnomAD no frequency). This sequence change replaces lysine, which is basic and polar, with glutamic acid, which is acidic and polar, at codon 116 of the MEF2C protein (p.Lys116Glu).

GeneDx
Classification: Uncertain significance. Last evaluated: 2019-10-09. Review status: criteria provided, single submitter. Criteria: GeneDx Variant Classification Process June 2021. Collection method: clinical testing. Allele origin: germline. Affected: yes.
Comment: Not observed in large population cohorts (Lek et al., 2016); In silico analysis, which includes protein predictors and evolutionary conservation, supports a deleterious effect; Has not been previously published as pathogenic or benign to our knowledge

NM_002397.5(MEF2C):c.346A>G (p.Lys116Glu)

Gene: MEF2C (myocyte enhancer factor 2C; minus strand). Cytogenetic location: 5q14.3.
Variant type: single nucleotide variant.
Coding change: c.346A>G on transcript NM_002397.5 (MANE Select); coding-DNA position 346, A replaced by G.
Protein change: p.Lys116Glu; replaces lysine 116 with glutamic acid.
Molecular consequence: missense variant. On other transcripts: 5 prime UTR variant (2), intron variant (12).
Genome position (GRCh38, 1-based): chr5:88,761,241, T>C on the plus strand (A>G on the coding strand, the complement: MEF2C is on the minus strand). VCF-style: chr5-88761241-T-C. GRCh37 (hg19) VCF-style: chr5-88057058-T-C.
Other names: c.346A>G, p.Lys116Glu (NM_001193350.2, NM_001308002.3, NM_001363581.2 and 18 more transcripts); c.-33A>G (NM_001364353.2, NM_001364356.2); c.259-9198A>G (NM_001364344.2, NM_001364354.2, NM_001364332.2 and 3 more transcripts); c.259-116A>G (NM_001131005.2, NM_001364352.2, NM_001364343.2); c.318+28A>G (NM_001193347.1, NM_001364338.2); c.-24-9198A>G (NM_001364357.2); short protein forms K116E.
Identifiers: ClinVar variation 1019472 (VCV001019472.10), dbSNP rs1777713411, ClinGen allele CA360424541.